The following is an entry in ClinVar:

NM_018489.3(ASH1L):c.6447A>C (p.Glu2149Asp)

Gene: ASH1L (ASH1 like histone lysine methyltransferase; minus strand). Cytogenetic location: 1q22.
Variant type: single nucleotide variant.
Coding change: c.6447A>C on transcript NM_018489.3 (MANE Select); coding-DNA position 6447, A replaced by C.
Protein change: p.Glu2149Asp; replaces glutamic acid 2149 with aspartic acid.
Molecular consequence: missense variant.
Genome position (GRCh38, 1-based): chr1:155,370,869, T>G on the plus strand (A>C on the coding strand, the complement: ASH1L is on the minus strand). VCF-style: chr1-155370869-T-G. GRCh37 (hg19) VCF-style: chr1-155340660-T-G.
Other names: c.6462A>C, p.Glu2154Asp (NM_001366177.2); short protein forms E2149D, E2154D.
Identifiers: ClinVar variation 4528124 (VCV004528124.1).

ClinVar aggregate classification (germline): Uncertain significance (1 of 4 stars; one submission).

Submission:

GeneDx
Classification: Uncertain significance. Last evaluated: 2025-05-08. Review status: criteria provided, single submitter. Criteria: GeneDx Variant Classification Process June 2021. Collection method: clinical testing. Allele origin: germline. Affected: yes.
Comment: Not observed at significant frequency in large population cohorts (gnomAD); In silico analysis suggests that this missense variant does not alter protein structure/function; Has not been previously published as pathogenic or benign to our knowledge